The following is an entry in ClinVar:

NM_201384.3(PLEC):c.3435G>A (p.Thr1145=)

Gene: PLEC (plectin; minus strand). Cytogenetic location: 8q24.3.
Variant type: single nucleotide variant.
Coding change: c.3435G>A on transcript NM_201384.3 (MANE Select); coding-DNA position 3435, G replaced by A.
Protein change: p.Thr1145=; no amino-acid change (threonine 1145 retained).
Molecular consequence: synonymous variant.
Genome position (GRCh38, 1-based): chr8:143,927,731, C>T on the plus strand (G>A on the coding strand, the complement: PLEC is on the minus strand). VCF-style: chr8-143927731-C-T. GRCh37 (hg19) VCF-style: chr8-145001899-C-T.
Other names: c.3516G>A (NM_000445.4); c.3516G>A, p.Thr1172= (NM_000445.5); c.3393G>A, p.Thr1131= (NM_201378.4); c.3369G>A, p.Thr1123= (NM_201379.3); c.3846G>A, p.Thr1282= (NM_201380.4); c.3339G>A, p.Thr1113= (NM_201381.3); c.3435G>A, p.Thr1145= (NM_201382.4); c.3447G>A, p.Thr1149= (NM_201383.3).
Identifiers: ClinVar variation 1153572 (VCV001153572.8), dbSNP rs556372016, ClinGen allele CA4927066.
Genomic context (GRCh38, chr8:143,927,731, plus strand): 5'-CTGCTGCAGTCGCTCCCCCACCTCCTGTGCCCCCCGCAGCTCATCCCGCAGGGCGTCGAA[C>T]GTGGGCTGCTGTGCCTCGGCCTGGGCCCGCAGCTTCTGTTGGGGACAGGAGGGACATGTG-3'
Protein context (NP_958786.1, residues 1135-1155): LRAQAEAQQP[Thr1145=]FDALRDELRG

ClinVar aggregate classification (germline): Likely benign. Review status: criteria provided, multiple submitters, no conflicts (2 of 4 stars). 2 submissions from 2 submitters: Likely benign (2). Last evaluated 2026-05-22.

Conditions:
PLEC-related disorder. Also called: PLEC-related condition; PLEC-related disorders.
Epidermolysis bullosa simplex 5C, with pyloric atresia (EBS5C). Also called: PLEC-Related Epidermolysis Bullosa with Pyloric Atresia; Epidermolysis bullosa simplex with pyloric atresia; PLEC1-Related Epidermolysis Bullosa with Pyloric Atresia. Identifiers: Orphanet 158684, MedGen C2677349, MONDO:0012807, OMIM 612138.
Epidermolysis bullosa simplex, Ogna type (EBS5A). Also called: EPIDERMOLYSIS BULLOSA SIMPLEX 5A, OGNA TYPE; Pidermolysis bullosa simplex 5A, Ogna type. Identifiers: Orphanet 79401, MedGen C0432317, MONDO:0007555, OMIM 131950.
Epidermolysis bullosa simplex with nail dystrophy (EBS5D). Identifiers: MedGen C4225309, MONDO:0014661, OMIM 616487.
Epidermolysis bullosa simplex 5B, with muscular dystrophy (EBS5B). Also called: EPIDERMOLYSIS BULLOSA SIMPLEX AND LIMB-GIRDLE MUSCULAR DYSTROPHY; Epidermolysis bullosa simplex with muscular dystrophy. Identifiers: Orphanet 257, MedGen C2931072, MONDO:0009181, OMIM 226670.
Autosomal recessive limb-girdle muscular dystrophy type 2Q (LGMDR17). Also called: MUSCULAR DYSTROPHY, LIMB-GIRDLE, AUTOSOMAL RECESSIVE 17. Identifiers: Orphanet 254361, MedGen C3150989, MONDO:0013390, OMIM 613723.

Allele frequency attached by ClinVar (database versions not stated): gnomAD 0.00001; gnomAD exomes 0.00001; ExAC 0.00002; TOPMed 0.00002; 1000 Genomes Project 30x 0.00016; 1000 Genomes Project 0.00020.
gnomAD v4.1: 12 of 1,596,276 alleles (0.00075%); highest among the groups gnomAD compares: East Asian, 0.0046%; no homozygotes.

Submissions (2):

PreventionGenetics, part of Exact Sciences
Classification: Likely benign for PLEC-related condition. Last evaluated: 2026-05-22. Review status: criteria provided, single submitter. Criteria: ACMG Guidelines, 2015. Collection method: clinical testing. Allele origin: germline.
Comment: This variant is classified as likely benign based on ACMG/AMP sequence variant interpretation guidelines (Richards et al. 2015 PMID: 25741868, with internal and published modifications).

Labcorp Genetics (formerly Invitae), Labcorp
Classification: Likely benign for Autosomal recessive limb-girdle muscular dystrophy type 2Q; Epidermolysis bullosa simplex, Ogna type; Epidermolysis bullosa simplex with nail dystrophy; Epidermolysis bullosa simplex 5C, with pyloric atresia; Epidermolysis bullosa simplex 5B, with muscular dystrophy. Last evaluated: 2026-01-21. Review status: criteria provided, single submitter. Criteria: Invitae Variant Classification Sherloc (09022015). Collection method: clinical testing. Allele origin: germline.